The following is an entry in ClinVar:

NM_004369.4(COL6A3):c.6880-20C>A

Gene: COL6A3 (collagen type VI alpha 3 chain; minus strand). Cytogenetic location: 2q37.3.
Variant type: single nucleotide variant.
Coding change: c.6880-20C>A on transcript NM_004369.4 (MANE Select); 20 bases into the intron before coding-DNA position 6880, C replaced by A.
Molecular consequence: intron variant.
Genome position (GRCh38, 1-based): chr2:237,348,683, G>T on the plus strand (C>A on the coding strand, the complement: COL6A3 is on the minus strand). VCF-style: chr2-237348683-G-T. GRCh37 (hg19) VCF-style: chr2-238257326-G-T.
Other names: c.6880-20C>A (NM_004369.3); c.5059-20C>A (NM_057166.5); c.6262-20C>A (NM_057167.4).
Identifiers: ClinVar variation 2150949 (VCV002150949.6), dbSNP rs900885344, ClinGen allele CA67844591.

ClinVar aggregate classification (germline): Likely benign. Review status: criteria provided, single submitter (1 of 4 stars). 2 submissions from 2 submitters: Likely benign (1). 1 of the submissions does not count toward it. Last evaluated 2024-04-22.

Conditions:
Bethlem myopathy 1A. Also called: Bethlem Muscular Dystrophy; Bethlem myopathy 1; MYOPATHY, BENIGN CONGENITAL, WITH CONTRACTURES. Identifiers: Orphanet 610, MedGen CN029274, MONDO:0024530, OMIM 158810.
COL6A3-related disorder. Also called: COL6A3-related disorders; COL6A3-related condition.

gnomAD v4.1: 8 of 1,613,388 alleles (0.0005%); highest among the groups gnomAD compares: Non-Finnish European, 0.00068%; no homozygotes.

Submissions (2):

Labcorp Genetics (formerly Invitae), Labcorp
Classification: Likely benign for Bethlem myopathy 1A. Last evaluated: 2024-04-22. Review status: criteria provided, single submitter. Criteria: Invitae Variant Classification Sherloc (09022015). Collection method: clinical testing. Allele origin: germline.

PreventionGenetics, part of Exact Sciences
Classification: Likely benign for COL6A3-related condition. Last evaluated: 2023-06-02. Review status: no assertion criteria provided. Collection method: clinical testing. Allele origin: germline. Not counted in ClinVar's aggregate classification.
Comment: This variant is classified as likely benign based on ACMG/AMP sequence variant interpretation guidelines (Richards et al. 2015 PMID: 25741868, with internal and published modifications).